The following is an entry in ClinVar:

NM_006929.5(SKIC2):c.1297C>T (p.Arg433Cys)

Gene: SKIC2 (SKI2 subunit of superkiller complex; plus strand). Cytogenetic location: 6p21.33.
Variant type: single nucleotide variant.
Coding change: c.1297C>T on transcript NM_006929.5 (MANE Select); coding-DNA position 1297, C replaced by T.
Protein change: p.Arg433Cys; replaces arginine 433 with cysteine.
Molecular consequence: missense variant.
Genome position (GRCh38, 1-based): chr6:31,962,985, C>T. VCF-style: chr6-31962985-C-T. GRCh37 (hg19) VCF-style: chr6-31930762-C-T.
Other names: short protein forms R433C.
Identifiers: ClinVar variation 828128 (VCV000828128.3), dbSNP rs750250320, ClinGen allele CA3729433.

ClinVar aggregate classification (germline): Uncertain significance. Review status: criteria provided, single submitter (1 of 4 stars). 2 submissions from 2 submitters: Uncertain significance (1). 1 of the submissions does not count toward it. Last evaluated 2024-07-31.

Conditions:
Trichohepatoenteric syndrome 2 (THES2). Identifiers: Orphanet 84064, MedGen C3281289, MONDO:0013818, OMIM 614602.

Allele frequency attached by ClinVar (database versions not stated): gnomAD 0.00001; gnomAD exomes 0.00001 and 0.00003; ExAC 0.00002.
gnomAD v4.1: 18 of 1,605,784 alleles (0.0011%); highest among the groups gnomAD compares: Admixed American, 0.01%; no homozygotes.

Submissions (2):

Women's Health and Genetics/Laboratory Corporation of America, LabCorp
Classification: Uncertain significance. Last evaluated: 2024-07-31. Review status: criteria provided, single submitter. Criteria: LabCorp Variant Classification Summary - May 2015. Collection method: clinical testing. Allele origin: germline.
Comment: Variant summary: SKIC2 c.1297C>T (p.Arg433Cys) results in a non-conservative amino acid change located in the DEAD/DEAH box helicase domain (IPR011545) of the encoded protein sequence. Four of five in-silico tools predict a damaging effect of the variant on protein function. Consensus agreement among computation tools predict no significant impact on normal splicing. However, these predictions have yet to be confirmed by functional studies. The variant allele was found at a frequency of 1.1e-05 in 1605784 control chromosomes. This frequency is not significantly higher than estimated for a pathogenic variant in SKIC2 causing Trichohepatoenteric Syndrome (1.1e-05 vs 0.00062), allowing no conclusion about variant significance. c.1297C>T has been reported in the literature in at-least one individual affected with Trichohepatoenteric Syndrome (example: Taher_2020). These data indicate that the variant may be associated with disease. To our knowledge, no experimental evidence demonstrating an impact on protein function has been reported. The following publications have been ascertained in the context of this evaluation (PMID: 34414925, 33114497). ClinVar contains an entry for this variant (Variation ID: 828128). Based on the evidence outlined above, the variant was classified as VUS-possibly pathogenic.

Biochemical Molecular Genetic Laboratory, King Abdulaziz Medical City
Classification: Likely pathogenic for Trichohepatoenteric syndrome 2. Last evaluated: 2020-02-05. Review status: no assertion criteria provided. Collection method: clinical testing. Allele origin: germline. Affected: yes. Not counted in ClinVar's aggregate classification.

Literature cited by the submitters: PubMed 34414925 (cited by Women's Health and Genetics/Laboratory Corporation of America, LabCorp); PubMed 33114497 (cited by Women's Health and Genetics/Laboratory Corporation of America, LabCorp).